The following is an entry in ClinVar:

ClinVar aggregate classification (germline): Benign/Likely benign. Review status: criteria provided, multiple submitters, no conflicts (2 of 4 stars). 5 submissions from 5 submitters: Benign (2); Likely benign (3). Last evaluated 2026-01-28.

Conditions:
Aortic aneurysm, familial thoracic 4 (AAT4). Also called: AORTIC ANEURYSM/AORTIC DISSECTION AND PATENT DUCTUS ARTERIOSUS. Identifiers: MedGen C1851504, MONDO:0007568, OMIM 132900.

Allele frequency attached by ClinVar (database versions not stated): gnomAD 0.00019; TOPMed 0.00040; ESP Exome Variant Server 0.00046; 1000 Genomes Project 0.00060; 1000 Genomes Project 30x 0.00062.
gnomAD v4.1: 585 of 1,612,680 alleles (0.036%); highest among the groups gnomAD compares: Admixed American, 0.11%; no homozygotes.

Submissions (5):

Labcorp Genetics (formerly Invitae), Labcorp
Classification: Likely benign for Aortic aneurysm, familial thoracic 4. Last evaluated: 2026-01-28. Review status: criteria provided, single submitter. Criteria: Invitae Variant Classification Sherloc (09022015). Collection method: clinical testing. Allele origin: germline.

Blueprint Genetics
Classification: Likely benign. Last evaluated: 2024-10-30. Review status: criteria provided, single submitter. Criteria: ACMG Guidelines, 2015. Collection method: clinical testing. Allele origin: germline.

Women's Health and Genetics/Laboratory Corporation of America, LabCorp
Classification: Benign. Last evaluated: 2020-12-07. Review status: criteria provided, single submitter. Criteria: LabCorp Variant Classification Summary - May 2015. Collection method: clinical testing. Allele origin: germline.
Comment: Variant summary: MYH11 c.4812+16G>T alters a non-conserved nucleotide located close to a canonical splice site and therefore could affect mRNA splicing, leading to a significantly altered protein sequence. 4/4 computational tools predict no significant impact on normal splicing. However, these predictions have yet to be confirmed by functional studies. The variant allele was found at a frequency of 0.00035 in 250718 control chromosomes, predominantly at a frequency of 0.001 within the Latino subpopulation in the gnomAD database. The observed variant frequency within Latino control individuals in the gnomAD database is approximately 80 fold of the estimated maximal expected allele frequency for a pathogenic variant in MYH11 causing Thoracic Aortic Aneurysms and Dissections phenotype (1.3e-05), strongly suggesting that the variant is a benign polymorphism found primarily in populations of Latino origin. To our knowledge, no occurrence of c.4812+16G>T in individuals affected with Thoracic Aortic Aneurysms and Dissections and no experimental evidence demonstrating its impact on protein function have been reported. One clinical diagnostic laboratory has submitted clinical-significance assessments for this variant to ClinVar after 2014 without evidence for independent evaluation, and classified the variant as benign. Based on the evidence outlined above, the variant was classified as benign.

GeneDx
Classification: Benign. Last evaluated: 2016-09-08. Review status: criteria provided, single submitter. Criteria: GeneDx Variant Classification (06012015). Collection method: clinical testing. Allele origin: germline. Affected: yes.
Comment: This variant is considered likely benign or benign based on one or more of the following criteria: it is a conservative change, it occurs at a poorly conserved position in the protein, it is predicted to be benign by multiple in silico algorithms, and/or has population frequency not consistent with disease.

PreventionGenetics, part of Exact Sciences
Classification: Likely benign. Review status: criteria provided, single submitter. Criteria: ACMG Guidelines, 2015. Collection method: clinical testing. Allele origin: germline.

NM_002474.3(MYH11):c.4791+16G>T

Genes: MYH11 (myosin heavy chain 11; minus strand), NDE1 (nudE neurodevelopment protein 1; plus strand). Cytogenetic location: 16p13.11.
Variant type: single nucleotide variant.
Coding change: c.4791+16G>T on transcript NM_002474.3 (MANE Select); 16 bases into the intron after coding-DNA position 4791, G replaced by T.
Molecular consequence: intron variant.
Genome position (GRCh38, 1-based): chr16:15,720,823, C>A on the plus strand (G>T on the coding strand, the complement: MYH11 is on the minus strand). VCF-style: chr16-15720823-C-A. GRCh37 (hg19) VCF-style: chr16-15814680-C-A.
Other names: c.948-3368C>A (NM_001143979.2, NM_017668.3); c.4791+16G>T (NM_022844.3); c.4812+16G>T (NM_001040114.2, NM_001040113.2).
Identifiers: ClinVar variation 257260 (VCV000257260.11), dbSNP rs189463893, ClinGen allele CA7921557.